The following is an entry in ClinVar:

ClinVar aggregate classification (germline): Uncertain significance (1 of 4 stars; one submission).

Conditions:
MC3R-related disorder. Also called: MC3R-related condition.

Submission:

PreventionGenetics, part of Exact Sciences
Classification: Uncertain significance for MC3R-related condition. Last evaluated: 2025-02-07. Review status: criteria provided, single submitter. Criteria: ACMG Guidelines, 2015. Collection method: clinical testing. Allele origin: germline.
Comment: The MC3R c.191T>A variant is predicted to result in the amino acid substitution p.Val64Asp. To our knowledge, this variant has not been reported in the literature or in a large population database (gnomAD), indicating this variant is rare. At this time, the clinical significance of this variant is uncertain due to the absence of conclusive functional and genetic evidence.

NM_019888.3(MC3R):c.191T>A (p.Val64Asp)

Gene: MC3R (melanocortin 3 receptor; plus strand). Cytogenetic location: 20q13.2.
Variant type: single nucleotide variant.
Coding change: c.191T>A on transcript NM_019888.3 (MANE Select); coding-DNA position 191, T replaced by A.
Protein change: p.Val64Asp; replaces valine 64 with aspartic acid.
Molecular consequence: missense variant.
Genome position (GRCh38, 1-based): chr20:56,249,034, T>A. VCF-style: chr20-56249034-T-A. GRCh37 (hg19) VCF-style: chr20-54824090-T-A.
Other names: short protein forms V64D.
Identifiers: ClinVar variation 5001311 (VCV005001311.1).
Genomic context (GRCh38, chr20:56,249,034, plus strand): 5'-TTTTCCTGTCTCTGGGCATCGTCAGTCTGCTGGAAAACATCCTGGTTATCCTGGCCGTGG[T>A]CAGGAACGGCAACCTGCACTCCCCGATGTACTTCTTTCTCTGCAGCCTGGCGGTGGCCGA-3'
Protein context (NP_063941.3, residues 54-74): LENILVILAV[Val64Asp]RNGNLHSPMY